The following is an entry in ClinVar:

NM_005859.5(PURA):c.73G>A (p.Gly25Ser)

Gene: PURA (purine rich element binding protein A; plus strand). Cytogenetic location: 5q31.3.
Variant type: single nucleotide variant.
Coding change: c.73G>A on transcript NM_005859.5 (MANE Select); coding-DNA position 73, G replaced by A.
Protein change: p.Gly25Ser; replaces glycine 25 with serine.
Molecular consequence: missense variant.
Genome position (GRCh38, 1-based): chr5:140,114,254, G>A. VCF-style: chr5-140114254-G-A. GRCh37 (hg19) VCF-style: chr5-139493839-G-A.
Other names: short protein forms G25S.
Identifiers: ClinVar variation 588498 (VCV000588498.10), dbSNP rs1561792992, ClinGen allele CA361489200.

ClinVar aggregate classification (germline): Uncertain significance. Review status: criteria provided, multiple submitters, no conflicts (2 of 4 stars). 2 submissions from 2 submitters: Uncertain significance (2). Last evaluated 2022-06-14.

Conditions:
Inborn genetic diseases. Identifiers: MedGen C0950123, MeSH D030342.
PURA-related severe neonatal hypotonia-seizures-encephalopathy syndrome (NEDRIHF). Also called: NEURODEVELOPMENTAL DISORDER WITH NEONATAL RESPIRATORY INSUFFICIENCY, HYPOTONIA, AND FEEDING DIFFICULTIES; PURA-Related Neurodevelopmental Disorders. Identifiers: Orphanet 438213, Orphanet 438216, MedGen C4015357, MONDO:1060108, OMIM 616158, MONDO:0018580.

Submissions (2):

Labcorp Genetics (formerly Invitae), Labcorp
Classification: Uncertain significance for PURA-related severe neonatal hypotonia-seizures-encephalopathy syndrome. Last evaluated: 2022-06-14. Review status: criteria provided, single submitter. Criteria: Invitae Variant Classification Sherloc (09022015). Collection method: clinical testing. Allele origin: germline.
Comment: In summary, the available evidence is currently insufficient to determine the role of this variant in disease. Therefore, it has been classified as a Variant of Uncertain Significance. Algorithms developed to predict the effect of missense changes on protein structure and function are either unavailable or do not agree on the potential impact of this missense change (SIFT: "Tolerated"; PolyPhen-2: "Not Available"; Align-GVGD: "Class C0"). ClinVar contains an entry for this variant (Variation ID: 588498). This variant has not been reported in the literature in individuals affected with PURA-related conditions. The frequency data for this variant in the population databases is considered unreliable, as metrics indicate insufficient coverage at this position in the gnomAD database. This sequence change replaces glycine, which is neutral and non-polar, with serine, which is neutral and polar, at codon 25 of the PURA protein (p.Gly25Ser).

Ambry Genetics
Classification: Uncertain significance for Inborn genetic diseases. Last evaluated: 2016-11-29. Review status: criteria provided, single submitter. Criteria: Ambry Variant Classification Scheme 2023. Collection method: clinical testing. Allele origin: germline.
Comment: The p.G25S variant (also known as c.73G>A), located in coding exon 1 of the PURA gene, results from a G to A substitution at nucleotide position 73. The glycine at codon 25 is replaced by serine, an amino acid with similar properties. This amino acid position is highly conserved in available vertebrate species. In addition, this alteration is predicted to be tolerated by in silico analysis. Since supporting evidence is limited at this time, the clinical significance of this variant remains unclear.